The following is an entry in ClinVar:

NM_005431.2(XRCC2):c.65G>T (p.Ser22Ile)

Gene: XRCC2 (X-ray repair cross complementing 2; minus strand). Cytogenetic location: 7q36.1.
Variant type: single nucleotide variant.
Coding change: c.65G>T on transcript NM_005431.2 (MANE Select); coding-DNA position 65, G replaced by T.
Protein change: p.Ser22Ile; replaces serine 22 with isoleucine.
Molecular consequence: missense variant.
Genome position (GRCh38, 1-based): chr7:152,660,757, C>A on the plus strand (G>T on the coding strand, the complement: XRCC2 is on the minus strand). VCF-style: chr7-152660757-C-A. GRCh37 (hg19) VCF-style: chr7-152357842-C-A.
Other names: short protein forms S22I.
Identifiers: ClinVar variation 2625110 (VCV002625110.2), dbSNP rs1016461143, ClinGen allele CA370199513.
Genomic context (GRCh38, chr7:152,660,757, plus strand): 5'-TTACCATGCACAGGTGAATCTTCATCAGCAAACAGATTTGGTTCTATTTCTTTCAAGGAA[C>A]TTCTACCTTCAAGTCGGGCAAGGAGCTTATAAAAGAAGAGAGAAGGAAAACTCATTATTT-3'
Protein context (NP_005422.1, residues 12-32): TELLARLEGR[Ser22Ile]SLKEIEPNLF

ClinVar aggregate classification (germline): Uncertain significance (1 of 4 stars; one submission).

Conditions:
Hereditary cancer-predisposing syndrome. Also called: Tumor predisposition; Hereditary Cancer Syndrome; Hereditary neoplastic syndrome; Neoplastic Syndromes, Hereditary. Identifiers: Orphanet 140162, MedGen C0027672, MeSH D009386, MONDO:0015356.

Submission:

Ambry Genetics
Classification: Uncertain significance for Hereditary cancer-predisposing syndrome. Last evaluated: 2023-09-12. Review status: criteria provided, single submitter. Criteria: Ambry Variant Classification Scheme 2023. Collection method: clinical testing. Allele origin: germline.
Comment: The p.S22I variant (also known as c.65G>T), located in coding exon 2 of the XRCC2 gene, results from a G to T substitution at nucleotide position 65. The serine at codon 22 is replaced by isoleucine, an amino acid with dissimilar properties. This amino acid position is conserved. In addition, this alteration is predicted to be tolerated by in silico analysis. Since supporting evidence is limited at this time, the clinical significance of this alteration remains unclear.